The following is an entry in ClinVar:

ClinVar aggregate classification (germline): Uncertain significance (1 of 4 stars; one submission).

Conditions:
Leigh syndrome (NULS). Also called: Leigh's necrotizing encephalopathy; Leigh's disease; LEIGH SYNDROME, NUCLEAR; Leigh's syndrome; Leigh Syndrome (mtDNA deletion); Leigh Disease. Identifiers: Orphanet 506, MedGen C2931891, MONDO:0009723, OMIM 256000.

Allele frequency attached by ClinVar (database versions not stated): TOPMed below 0.00001; gnomAD 0.00001; gnomAD exomes 0.00001.
gnomAD v4.1: 9 of 1,613,686 alleles (0.00056%); highest among the groups gnomAD compares: East Asian, 0.0045%; no homozygotes.

Submission:

Labcorp Genetics (formerly Invitae), Labcorp
Classification: Uncertain significance for Leigh syndrome. Last evaluated: 2022-08-15. Review status: criteria provided, single submitter. Criteria: Invitae Variant Classification Sherloc (09022015). Collection method: clinical testing. Allele origin: germline.
Comment: This sequence change replaces arginine, which is basic and polar, with glutamine, which is neutral and polar, at codon 147 of the SURF1 protein (p.Arg147Gln). This variant is present in population databases (rs781837639, gnomAD 0.0009%). This variant has not been reported in the literature in individuals affected with SURF1-related conditions. Algorithms developed to predict the effect of missense changes on protein structure and function output the following: SIFT: "Tolerated"; PolyPhen-2: "Benign"; Align-GVGD: "Class C0". The glutamine amino acid residue is found in multiple mammalian species, which suggests that this missense change does not adversely affect protein function. In summary, the available evidence is currently insufficient to determine the role of this variant in disease. Therefore, it has been classified as a Variant of Uncertain Significance.

NM_003172.4(SURF1):c.440G>A (p.Arg147Gln)

Gene: SURF1 (SURF1 cytochrome c oxidase assembly factor; minus strand). Cytogenetic location: 9q34.2.
Variant type: single nucleotide variant.
Coding change: c.440G>A on transcript NM_003172.4 (MANE Select); coding-DNA position 440, G replaced by A.
Protein change: p.Arg147Gln; replaces arginine 147 with glutamine.
Molecular consequence: missense variant.
Genome position (GRCh38, 1-based): chr9:133,353,824, C>T on the plus strand (G>A on the coding strand, the complement: SURF1 is on the minus strand). VCF-style: chr9-133353824-C-T. GRCh37 (hg19) VCF-style: chr9-136220679-C-T.
Other names: c.113G>A, p.Arg38Gln (NM_001280787.1); short protein forms R147Q, R38Q.
Identifiers: ClinVar variation 2151135 (VCV002151135.1), dbSNP rs781837639, ClinGen allele CA200833013.
Genomic context (GRCh38, chr9:133,353,824, plus strand): 5'-TGGAAGGGAGTGACCACATAGGCCCCACTCTGAGTTGAGGAGGAGATGAGGCCGCCCTCC[C>T]GGGCCTCCCGGACAGGGTCCACCATGGTCCGGGGCATCATATACAGCTCCTTGGAATGGT-3'
Protein context (NP_003163.1, residues 137-157): RTMVDPVREA[Arg147Gln]EGGLISSSTQ